The following is an entry in ClinVar:

NM_001042492.3(NF1):c.5962A>G (p.Met1988Val)

Gene: NF1 (neurofibromin 1; plus strand). Cytogenetic location: 17q11.2.
Variant type: single nucleotide variant.
Coding change: c.5962A>G on transcript NM_001042492.3 (MANE Select); coding-DNA position 5962, A replaced by G.
Protein change: p.Met1988Val; replaces methionine 1988 with valine.
Molecular consequence: missense variant.
Genome position (GRCh38, 1-based): chr17:31,334,987, A>G. VCF-style: chr17-31334987-A-G. GRCh37 (hg19) VCF-style: chr17-29662005-A-G.
Other names: c.5899A>G, p.Met1967Val (NM_000267.4); short protein forms M1967V, M1988V.
Identifiers: ClinVar variation 3372313 (VCV003372313.1).

ClinVar aggregate classification (germline): Uncertain significance (1 of 4 stars; one submission).

Submission:

GeneDx
Classification: Uncertain significance. Last evaluated: 2024-04-10. Review status: criteria provided, single submitter. Criteria: GeneDx Variant Classification Process June 2021. Collection method: clinical testing. Allele origin: germline. Affected: yes.
Comment: Has not been previously published as pathogenic or benign to our knowledge; Not observed at significant frequency in large population cohorts (gnomAD); In silico analysis supports that this missense variant has a deleterious effect on protein structure/function; In silico analysis suggests this variant may impact gene splicing. In the absence of RNA/functional studies, the actual effect of this sequence change is unknown.